The following is an entry in ClinVar:

NM_001267550.2(TTN):c.99919_99920dup (p.Ala33308fs)

Genes: TTN-AS1 (TTN antisense RNA 1; plus strand), TTN (titin; minus strand), LOC126806420 (BRD4-independent group 4 enhancer GRCh37_chr2:179401104-179402303; plus strand). Cytogenetic location: 2q31.2.
Variant type: Duplication.
Coding change: c.99919_99920dup on transcript NM_001267550.2 (MANE Select); coding-DNA positions 99919 to 99920, 2 bases duplicated (TC; older notation c.99919_99920dupTC).
Protein change: p.Ala33308fs; shifts the reading frame from alanine 33308.
Molecular consequence: frameshift variant.
Genome position (GRCh38, 1-based): chr2:178,537,189-178,537,190, GA duplicated on the plus strand (TC on the coding strand, the reverse complement: TTN is on the minus strand); duplicating any 2 consecutive bases within chr2:178,537,189-178,537,191 gives the same sequence; the c. name uses the placement nearest the transcript's 3' end. VCF-style (leftmost placement, unchanged base first): chr2-178537188-G-GGA. GRCh37 (hg19) VCF-style: chr2-179401915-G-GGA.
Other names: c.94996_94997dup, p.Ala31667fs (NM_001256850.1); c.72724_72725dup, p.Ala24243fs (NM_003319.4); c.92215_92216dup, p.Ala30740fs (NM_133378.4); c.73099_73100dup, p.Ala24368fs (NM_133432.3); c.73300_73301dup, p.Ala24435fs (NM_133437.4); c.94996_94997dupTC (NM_001256850.1); short protein forms A24435fs, A31667fs, A33308fs, A24243fs, A24368fs, A30740fs.
Identifiers: ClinVar variation 288288 (VCV000288288.8), dbSNP rs886043854, ClinGen allele CA10606032.

ClinVar aggregate classification (germline): Likely pathogenic. Review status: criteria provided, multiple submitters, no conflicts (2 of 4 stars). 2 submissions from 2 submitters: Likely pathogenic (2). Last evaluated 2018-12-27.

Submissions (2):

GeneDx
Classification: Likely pathogenic. Last evaluated: 2018-12-27. Review status: criteria provided, single submitter. Criteria: GeneDx Variant Classification (06012015). Collection method: clinical testing. Allele origin: germline. Affected: yes.
Comment: The c.92215_92216dupTC variant has not been published as a pathogenic variant, nor has it been reported as a benign variant to our knowledge. The c.92215_92216dupTC variant is not observed in large population cohorts (Lek et al., 2016). The c.92215_92216dupTC variant causes a frameshift starting with codon Alanine 30740, changes this amino acid to a Proline residue and creates a premature Stop codon at position 3 of the new reading frame, denoted p.Ala30740ProfsX3. This variant is predicted to cause loss of normal protein function either through protein truncation or nonsense-mediated mRNA decay. The c.92215_92216dupTC variant is located in the A-band of the titin protein, where the majority of pathogenic truncating variants have been reported. Therefore, this variant is likely pathogenic; however, the possibility that it is benign cannot be excluded.

Eurofins Ntd Llc (ga)
Classification: Likely pathogenic. Last evaluated: 2016-08-05. Review status: criteria provided, single submitter. Criteria: EGL Classification Definitions. Collection method: clinical testing. Allele origin: germline. Observed: 1 variant allele, 1 heterozygote.
Comment: The c.92215_92216dupTC TTN variant has not been reported in individuals with disease or as a variant in the general population.2-5 The c.92215_92216dupTC variant is located in the A-band region of the TTN protein.6 While truncating variants in this region have been reported in individuals in the general population, they have also been reported at a significantly higher frequency in individuals with dilated cardiomyopathy (DCM).6,7 Therefore, the c.92215_92216dupTC TTN variant is classified as likely pathogenic. 2-5 general database references 6. Herman et al. N Engl J Med. 2012 Feb 16;366(7):619-28. 7. Pugh et al. Genet Med. 2014 Aug;16(8):601-8. AKT 8-5-16